The following is an entry in ClinVar:

NM_018941.4(CLN8):c.279C>T (p.Ala93=)

Gene: CLN8 (CLN8 transmembrane ER and ERGIC protein; plus strand). Cytogenetic location: 8p23.3.
Variant type: single nucleotide variant.
Coding change: c.279C>T on transcript NM_018941.4 (MANE Select); coding-DNA position 279, C replaced by T.
Protein change: p.Ala93=; no amino-acid change (alanine 93 retained).
Molecular consequence: synonymous variant.
Genome position (GRCh38, 1-based): chr8:1,771,333, C>T. VCF-style: chr8-1771333-C-T. GRCh37 (hg19) VCF-style: chr8-1719499-C-T.
Identifiers: ClinVar variation 527785 (VCV000527785.14), dbSNP rs372313992, ClinGen allele CA4599236.

ClinVar aggregate classification (germline): Likely benign. Review status: criteria provided, multiple submitters, no conflicts (2 of 4 stars). 4 submissions from 4 submitters: Likely benign (4). Last evaluated 2026-01-16.

Conditions:
CLN8-related disorder. Also called: CLN8-related condition.
Neuronal ceroid lipofuscinosis. Also called: Neuronal Ceroid Lipofuscinoses. Identifiers: Orphanet 216, Orphanet 79263, MedGen C0027877, MONDO:0016295. Disease mechanism: loss of function.

Allele frequency attached by ClinVar (database versions not stated): gnomAD exomes 0.00001 and 0.00003; gnomAD 0.00003 and 0.00004; TOPMed 0.00003; ExAC 0.00004; ESP Exome Variant Server 0.00008.
gnomAD v4.1: 26 of 1,613,936 alleles (0.0016%); highest among the groups gnomAD compares: Admixed American, 0.01%; no homozygotes.

Submissions (4):

Labcorp Genetics (formerly Invitae), Labcorp
Classification: Likely benign for Neuronal ceroid lipofuscinosis. Last evaluated: 2026-01-16. Review status: criteria provided, single submitter. Criteria: Invitae Variant Classification Sherloc (09022015). Collection method: clinical testing. Allele origin: germline.

PreventionGenetics, part of Exact Sciences
Classification: Likely benign for CLN8-related condition. Last evaluated: 2025-11-27. Review status: criteria provided, single submitter. Criteria: ACMG Guidelines, 2015. Collection method: clinical testing. Allele origin: germline.
Comment: This variant is classified as likely benign based on ACMG/AMP sequence variant interpretation guidelines (Richards et al. 2015 PMID: 25741868, with internal and published modifications).

Blueprint Genetics
Classification: Likely benign. Last evaluated: 2023-04-06. Review status: criteria provided, single submitter. Criteria: ACMG Guidelines, 2015. Collection method: clinical testing. Allele origin: germline.

GeneDx
Classification: Likely benign. Last evaluated: 2018-06-15. Review status: criteria provided, single submitter. Criteria: GeneDx Variant Classification (06012015). Collection method: clinical testing. Allele origin: germline. Affected: yes.
Comment: This variant is considered likely benign or benign based on one or more of the following criteria: it is a conservative change, it occurs at a poorly conserved position in the protein, it is predicted to be benign by multiple in silico algorithms, and/or has population frequency not consistent with disease.